The following is an entry in ClinVar:

ClinVar aggregate classification (germline): Uncertain significance. Review status: criteria provided, multiple submitters, no conflicts (2 of 4 stars). 4 submissions from 4 submitters: Uncertain significance (4). Last evaluated 2024-04-10.

Conditions:
Inborn genetic diseases. Identifiers: MedGen C0950123, MeSH D030342.
Donnai-Barrow syndrome. Also called: DBS/FOAR SYNDROME; FACIOOCULOACOUSTICORENAL SYNDROME. Identifiers: Orphanet 2143, MedGen C1857277, MONDO:0009104, OMIM 222448.

Allele frequency attached by ClinVar (database versions not stated): ExAC 0.00001; gnomAD 0.00001; TOPMed 0.00002; gnomAD exomes 0.00003 and 0.00006.
gnomAD v4.1: 92 of 1,613,478 alleles (0.0057%); highest among the groups gnomAD compares: Non-Finnish European, 0.0073%; no homozygotes.

Submissions (4):

Fulgent Genetics
Classification: Uncertain significance for Donnai-Barrow syndrome. Last evaluated: 2024-04-10. Review status: criteria provided, single submitter. Criteria: ACMG Guidelines, 2015. Collection method: clinical testing. Allele origin: germline.

Labcorp Genetics (formerly Invitae), Labcorp
Classification: Uncertain significance. Last evaluated: 2023-08-10. Review status: criteria provided, single submitter. Criteria: Invitae Variant Classification Sherloc (09022015). Collection method: clinical testing. Allele origin: germline.
Comment: In summary, the available evidence is currently insufficient to determine the role of this variant in disease. Therefore, it has been classified as a Variant of Uncertain Significance. Advanced modeling of protein sequence and biophysical properties (such as structural, functional, and spatial information, amino acid conservation, physicochemical variation, residue mobility, and thermodynamic stability) performed at Invitae indicates that this missense variant is expected to disrupt LRP2 protein function. ClinVar contains an entry for this variant (Variation ID: 1395826). This variant has not been reported in the literature in individuals affected with LRP2-related conditions. The frequency data for this variant in the population databases is considered unreliable, as metrics indicate poor data quality at this position in the gnomAD database. This sequence change replaces valine, which is neutral and non-polar, with methionine, which is neutral and non-polar, at codon 517 of the LRP2 protein (p.Val517Met).

Blueprint Genetics
Classification: Uncertain significance. Last evaluated: 2022-07-28. Review status: criteria provided, single submitter. Criteria: ACMG Guidelines, 2015. Collection method: clinical testing. Allele origin: germline.

Ambry Genetics
Classification: Uncertain significance for Inborn genetic diseases. Last evaluated: 2021-09-17. Review status: criteria provided, single submitter. Criteria: Ambry Variant Classification Scheme 2023. Collection method: clinical testing. Allele origin: germline.

NM_004525.3(LRP2):c.1549G>A (p.Val517Met)

Gene: LRP2 (LDL receptor related protein 2; minus strand). Cytogenetic location: 2q31.1.
Variant type: single nucleotide variant.
Coding change: c.1549G>A on transcript NM_004525.3 (MANE Select); coding-DNA position 1549, G replaced by A.
Protein change: p.Val517Met; replaces valine 517 with methionine.
Molecular consequence: missense variant.
Genome position (GRCh38, 1-based): chr2:169,279,388, C>T on the plus strand (G>A on the coding strand, the complement: LRP2 is on the minus strand). VCF-style: chr2-169279388-C-T. GRCh37 (hg19) VCF-style: chr2-170135898-C-T.
Other names: c.1549G>A (NM_004525.2); short protein forms V517M.
Identifiers: ClinVar variation 1395826 (VCV001395826.10), dbSNP rs770524674, ClinGen allele CA1955544.
Genomic context (GRCh38, chr2:169,279,388, plus strand): 5'-AAATTCTAAAAATACAGGAATCAATATGTTTTCACATCACTTACCCAACAGTTGGGTCCA[C>T]GGCAATTCCTCTAGGATGCCCCAAGTTTTCAGTTATAAGGGTAACCCGATAGCTTCCATC-3'
Protein context (NP_004516.2, residues 507-527): ENLGHPRGIA[Val517Met]DPTVGYLFFS